The following is an entry in ClinVar:

NM_000159.4(GCDH):c.997C>G (p.Gln333Glu)

Gene: GCDH (glutaryl-CoA dehydrogenase; plus strand). Cytogenetic location: 19p13.13.
Variant type: single nucleotide variant.
Coding change: c.997C>G on transcript NM_000159.4 (MANE Select); coding-DNA position 997, C replaced by G.
Protein change: p.Gln333Glu; replaces glutamine 333 with glutamic acid.
Molecular consequence: missense variant. On other transcripts: non-coding transcript variant (2).
Genome position (GRCh38, 1-based): chr19:12,897,343, C>G. VCF-style: chr19-12897343-C-G. GRCh37 (hg19) VCF-style: chr19-13008157-C-G.
Other names: c.997C>G, p.Gln333Glu (NM_013976.5); short protein forms Q333E.
Identifiers: ClinVar variation 193561 (VCV000193561.13), dbSNP rs794726972, ClinGen allele CA239095.

ClinVar aggregate classification (germline): Conflicting classifications of pathogenicity. Review status: criteria provided, conflicting classifications (1 of 4 stars). 4 submissions from 4 submitters: Likely pathogenic (1); Uncertain significance (2). 1 of the submissions does not count toward it. Last evaluated 2021-08-27.

Conditions:
Glutaric aciduria, type 1. Also called: Glutaricacidemia Type 1; GA I; Glutaric acidemia type I; Glutaryl-CoA dehydrogenase deficiency; Glutaricaciduria, type I; Glutaric Acidemia Type 1. Identifiers: Orphanet 25, MedGen C0268595, MONDO:0009281, OMIM 231670.

gnomAD v4.1: 2 of 1,613,838 alleles (0.00012%); no homozygotes.

Submissions (4):

Labcorp Genetics (formerly Invitae), Labcorp
Classification: Uncertain significance for Glutaric aciduria, type 1. Last evaluated: 2021-08-27. Review status: criteria provided, single submitter. Criteria: Invitae Variant Classification Sherloc (09022015). Collection method: clinical testing. Allele origin: germline.
Comment: This sequence change replaces glutamine with glutamic acid at codon 333 of the GCDH protein (p.Gln333Glu). The glutamine residue is highly conserved and there is a small physicochemical difference between glutamine and glutamic acid. This variant is not present in population databases (ExAC no frequency). This missense change has been observed in individual(s) with glutaric aciduria (PMID: 9711871). ClinVar contains an entry for this variant (Variation ID: 193561). Algorithms developed to predict the effect of missense changes on protein structure and function (SIFT, PolyPhen-2, Align-GVGD) all suggest that this variant is likely to be disruptive. In summary, the available evidence is currently insufficient to determine the role of this variant in disease. Therefore, it has been classified as a Variant of Uncertain Significance.

GeneDx
Classification: Likely pathogenic. Last evaluated: 2018-11-02. Review status: criteria provided, single submitter. Criteria: GeneDx Variant Classification (06012015). Collection method: clinical testing. Allele origin: germline. Affected: yes.
Comment: The Q333E missense change in the GCDH gene has been previously reported as disease-causing (Goodman et al., 1998). Q333E is a semi-conservative amino acid substitution, which may impact secondary protein structure as these residues differ in some properties. It occurs at a position that is conserved across species, and in silico analysis predicts this variant is probably damaging to the protein structure/function. The Q333E variant is predicted to be located on the surface of the GCDH gene and to be involved in GCDH homotetramerisation; approximately 20% of missense variants reported in association with GA1 are located on the surface of GCDH, supporting the functional importance of this region of the protein (Schmiesing et al., 2017). In summary, we interpret Q333E as likely pathogenic.

Eurofins Ntd Llc (ga)
Classification: Uncertain significance. Last evaluated: 2015-01-27. Review status: criteria provided, single submitter. Criteria: EGL Classification Definitions 2015. Collection method: clinical testing. Allele origin: germline. Observed: 1 variant allele, 1 heterozygote.

Counsyl
Classification: Uncertain significance for Glutaric aciduria, type 1. Last evaluated: 2018-01-02. Review status: no assertion criteria provided. Collection method: clinical testing. Allele origin: unknown. Not counted in ClinVar's aggregate classification.

Literature cited by the submitters: PubMed 9711871 (cited by 3 submitters).